The following is an entry in ClinVar:

ClinVar aggregate classification (germline): Pathogenic (1 of 4 stars; one submission).

Conditions:
Duane-radial ray syndrome (DRRS). Also called: ACRORENOOCULAR SYNDROME; DR SYNDROME; DUANE ANOMALY WITH RADIAL RAY ABNORMALITIES AND DEAFNESS; Okihiro Syndrome; Duane-Radial Ray Syndrome/Okihiro Syndrome; Duane-Radial Ray Syndrome (DRRS) / Okihiro Syndrome. Identifiers: Orphanet 93293, Orphanet 959, MedGen C1623209, MONDO:0011812, OMIM 607323. Disease mechanism: gain of function.

Submission:

Labcorp Genetics (formerly Invitae), Labcorp
Classification: Pathogenic for Duane-radial ray syndrome. Last evaluated: 2025-10-19. Review status: criteria provided, single submitter. Criteria: Invitae Variant Classification Sherloc (09022015). Collection method: clinical testing. Allele origin: germline.
Comment: This sequence change creates a premature translational stop signal (p.Glu889*) in the SALL4 gene. It is expected to result in an absent or disrupted protein product. Loss-of-function variants in SALL4 are known to be pathogenic (PMID: 15342710, 16086360). This variant is not present in population databases (gnomAD no frequency). This premature translational stop signal has been observed in individual(s) with acro-renal-ocular syndrome (PMID: 15286162). For these reasons, this variant has been classified as Pathogenic.

Literature cited by the submitters: PubMed 15342710; PubMed 16086360; PubMed 15286162.

NM_020436.5(SALL4):c.2665G>T (p.Glu889Ter)

Gene: SALL4 (spalt like transcription factor 4; minus strand). Cytogenetic location: 20q13.2.
Variant type: single nucleotide variant.
Coding change: c.2665G>T on transcript NM_020436.5 (MANE Select); coding-DNA position 2665, G replaced by T.
Protein change: p.Glu889Ter; replaces glutamic acid 889 with a stop codon.
Molecular consequence: nonsense.
Genome position (GRCh38, 1-based): chr20:51,788,938, C>A on the plus strand (G>T on the coding strand, the complement: SALL4 is on the minus strand). VCF-style: chr20-51788938-C-A. GRCh37 (hg19) VCF-style: chr20-50405477-C-A.
Other names: c.1354G>T, p.Glu452Ter (NM_001318031.2); short protein forms E452*, E889*.
Identifiers: ClinVar variation 4710587 (VCV004710587.1).